The following is an entry in ClinVar:

ClinVar aggregate classification (germline): Uncertain significance (1 of 4 stars; one submission).

Conditions:
Hereditary cancer-predisposing syndrome. Also called: Tumor predisposition; Neoplastic Syndromes, Hereditary; Hereditary Cancer Syndrome; Hereditary neoplastic syndrome. Identifiers: Orphanet 140162, MedGen C0027672, MeSH D009386, MONDO:0015356.

Submission:

Ambry Genetics
Classification: Uncertain significance for Hereditary cancer-predisposing syndrome. Last evaluated: 2024-07-29. Review status: criteria provided, single submitter. Criteria: Ambry Variant Classification Scheme 2023. Collection method: clinical testing. Allele origin: germline.
Comment: The p.P1562A variant (also known as c.4684C>G), located in coding exon 14 of the BRCA1 gene, results from a C to G substitution at nucleotide position 4684. The proline at codon 1562 is replaced by alanine, an amino acid with highly similar properties. This amino acid position is conserved. In addition, the in silico prediction for this alteration is inconclusive. Based on the available evidence, the clinical significance of this variant remains unclear.

NM_007294.4(BRCA1):c.4684C>G (p.Pro1562Ala)

Gene: BRCA1 (BRCA1 DNA repair associated; minus strand). Cytogenetic location: 17q21.31.
Variant type: single nucleotide variant.
Coding change: c.4684C>G on transcript NM_007294.4 (MANE Select); coding-DNA position 4684, C replaced by G.
Protein change: p.Pro1562Ala; replaces proline 1562 with alanine.
Molecular consequence: missense variant. On other transcripts: intron variant (1).
Genome position (GRCh38, 1-based): chr17:43,071,230, G>C on the plus strand (C>G on the coding strand, the complement: BRCA1 is on the minus strand). VCF-style: chr17-43071230-G-C. GRCh37 (hg19) VCF-style: chr17-41223247-G-C.
Other names: c.4540C>G, p.Pro1514Ala (NM_001407739.1, NM_001407743.1, NM_001407744.1 and 21 more transcripts); c.4471C>G, p.Pro1491Ala (NM_001407571.1, NM_001407894.1, NM_001407895.1 and 12 more transcripts); c.4750C>G, p.Pro1584Ala (NM_001407581.1, NM_001407582.1); c.4747C>G, p.Pro1583Ala (NM_001407583.1, NM_001407585.1, NM_001407587.1 and 1 more transcripts); c.4744C>G, p.Pro1582Ala (NM_001407590.1, NM_001407591.1); c.4684C>G, p.Pro1562Ala (NM_001407593.1, NM_001407594.1, NM_001407596.1 and 8 more transcripts); c.4681C>G, p.Pro1561Ala (NM_001407610.1, NM_001407611.1, NM_001407612.1 and 17 more transcripts); c.4678C>G, p.Pro1560Ala (NM_001407627.1, NM_001407628.1, NM_001407629.1 and 14 more transcripts); and 71 more; short protein forms P1433A, P1451A, P1490A, P1492A, P1495A, P1515A, P1521A, P1535A.
Identifiers: ClinVar variation 3481829 (VCV003481829.1).